The following is an entry in ClinVar:

NM_002437.5(MPV17):c.*9C>T

Gene: MPV17 (mitochondrial inner membrane protein MPV17; minus strand). Cytogenetic location: 2p23.3.
Variant type: single nucleotide variant.
Coding change: c.*9C>T on transcript NM_002437.5 (MANE Select); 9 bases downstream of the stop codon, C replaced by T.
Molecular consequence: 3 prime UTR variant.
Genome position (GRCh38, 1-based): chr2:27,309,903, G>A on the plus strand (C>T on the coding strand, the complement: MPV17 is on the minus strand). VCF-style: chr2-27309903-G-A. GRCh37 (hg19) VCF-style: chr2-27532771-G-A.
Identifiers: ClinVar variation 3047100 (VCV003047100.2), dbSNP rs2465669476, ClinGen allele CA346205284.

ClinVar aggregate classification (germline): Likely benign (0 of 4 stars; one submission).

Conditions:
MPV17-related disorder. Also called: MPV17-related disorders; MPV17-related condition. Identifiers: MedGen CN239328.

Submission:

PreventionGenetics, part of Exact Sciences
Classification: Likely benign for MPV17-related condition. Last evaluated: 2022-09-08. Review status: no assertion criteria provided. Collection method: clinical testing. Allele origin: germline.
Comment: This variant is classified as likely benign based on ACMG/AMP sequence variant interpretation guidelines (Richards et al. 2015 PMID: 25741868, with internal and published modifications).